The following is an entry in ClinVar:

ClinVar aggregate classification (germline): Uncertain significance (1 of 4 stars; one submission).

Conditions:
Charcot-Marie-Tooth disease type 2. Also called: Charcot-Marie-Tooth type 2. Identifiers: Orphanet 64746, MedGen C0270914, MONDO:0018993.

Submission:

Labcorp Genetics (formerly Invitae), Labcorp
Classification: Uncertain significance for Charcot-Marie-Tooth disease type 2. Last evaluated: 2024-04-12. Review status: criteria provided, single submitter. Criteria: Invitae Variant Classification Sherloc (09022015). Collection method: clinical testing. Allele origin: germline.
Comment: This sequence change replaces histidine, which is basic and polar, with glutamine, which is neutral and polar, at codon 191 of the AARS protein (p.His191Gln). This variant is not present in population databases (gnomAD no frequency). This variant has not been reported in the literature in individuals affected with AARS-related conditions. Advanced modeling of protein sequence and biophysical properties (such as structural, functional, and spatial information, amino acid conservation, physicochemical variation, residue mobility, and thermodynamic stability) performed at Invitae indicates that this missense variant is expected to disrupt AARS protein function with a positive predictive value of 95%. In summary, the available evidence is currently insufficient to determine the role of this variant in disease. Therefore, it has been classified as a Variant of Uncertain Significance.

NM_001605.3(AARS1):c.573C>G (p.His191Gln)

Gene: AARS1 (alanyl-tRNA synthetase 1; minus strand). Cytogenetic location: 16q22.1.
Variant type: single nucleotide variant.
Coding change: c.573C>G on transcript NM_001605.3 (MANE Select); coding-DNA position 573, C replaced by G.
Protein change: p.His191Gln; replaces histidine 191 with glutamine.
Molecular consequence: missense variant.
Genome position (GRCh38, 1-based): chr16:70,271,879, G>C on the plus strand (C>G on the coding strand, the complement: AARS1 is on the minus strand). VCF-style: chr16-70271879-G-C. GRCh37 (hg19) VCF-style: chr16-70305782-G-C.
Other names: short protein forms H191Q.
Identifiers: ClinVar variation 3649693 (VCV003649693.2).